The following is an entry in ClinVar:

NM_000784.4(CYP27A1):c.1075G>C (p.Glu359Gln)

Gene: CYP27A1 (cytochrome P450 family 27 subfamily A member 1; plus strand). Cytogenetic location: 2q35.
Variant type: single nucleotide variant.
Coding change: c.1075G>C on transcript NM_000784.4 (MANE Select); coding-DNA position 1075, G replaced by C.
Protein change: p.Glu359Gln; replaces glutamic acid 359 with glutamine.
Molecular consequence: missense variant.
Genome position (GRCh38, 1-based): chr2:218,814,078, G>C. VCF-style: chr2-218814078-G-C. GRCh37 (hg19) VCF-style: chr2-219678801-G-C.
Other names: short protein forms E359Q.
Identifiers: ClinVar variation 809161 (VCV000809161.46), dbSNP rs760471205, ClinGen allele CA2112795.

ClinVar aggregate classification (germline): Uncertain significance. Review status: criteria provided, multiple submitters, no conflicts (2 of 4 stars). 3 submissions from 3 submitters: Uncertain significance (3). Last evaluated 2023-12-09.

Conditions:
Cholestanol storage disease (CTX). Also called: Cerebrotendinous Xanthomatosis; CTX: Cerebrotendinous xanthomatosis; CEREBRAL CHOLESTERINOSIS. Identifiers: Orphanet 909, MedGen C0238052, MONDO:0008948, OMIM 213700.

Allele frequency attached by ClinVar (database versions not stated): ExAC 0.00001; gnomAD exomes 0.00001.
gnomAD v4.1: 5 of 1,614,240 alleles (0.00031%); highest among the groups gnomAD compares: South Asian, 0.0044%; no homozygotes.

Submissions (3):

Labcorp Genetics (formerly Invitae), Labcorp
Classification: Uncertain significance for Cholestanol storage disease. Last evaluated: 2023-12-09. Review status: criteria provided, single submitter. Criteria: Invitae Variant Classification Sherloc (09022015). Collection method: clinical testing. Allele origin: germline.
Comment: This sequence change replaces glutamic acid, which is acidic and polar, with glutamine, which is neutral and polar, at codon 359 of the CYP27A1 protein (p.Glu359Gln). This variant is present in population databases (rs760471205, gnomAD 0.01%). This variant has not been reported in the literature in individuals affected with CYP27A1-related conditions. ClinVar contains an entry for this variant (Variation ID: 809161). Advanced modeling of protein sequence and biophysical properties (such as structural, functional, and spatial information, amino acid conservation, physicochemical variation, residue mobility, and thermodynamic stability) performed at Invitae indicates that this missense variant is not expected to disrupt CYP27A1 protein function with a negative predictive value of 95%. In summary, the available evidence is currently insufficient to determine the role of this variant in disease. Therefore, it has been classified as a Variant of Uncertain Significance.

GeneDx
Classification: Uncertain significance. Last evaluated: 2022-05-02. Review status: criteria provided, single submitter. Criteria: GeneDx Variant Classification Process June 2021. Collection method: clinical testing. Allele origin: germline. Affected: yes.
Comment: In silico analysis supports that this missense variant does not alter protein structure/function; Has not been previously published as pathogenic or benign to our knowledge

CeGaT Center for Human Genetics Tuebingen
Classification: Uncertain significance. Last evaluated: 2017-01-01. Review status: criteria provided, single submitter. Criteria: CeGaT Center For Human Genetics Tuebingen Variant Classification Criteria Version 2. Collection method: clinical testing. Allele origin: germline. Affected: yes. Observed: 1 variant allele.